The following is an entry in ClinVar:

ClinVar aggregate classification (germline): Uncertain significance (1 of 4 stars; one submission).

Conditions:
Hereditary cancer-predisposing syndrome. Also called: Tumor predisposition; Hereditary neoplastic syndrome; Hereditary Cancer Syndrome; Neoplastic Syndromes, Hereditary. Identifiers: Orphanet 140162, MedGen C0027672, MeSH D009386, MONDO:0015356.

Submission:

Color Diagnostics, LLC DBA Color Health
Classification: Uncertain significance for Hereditary cancer-predisposing syndrome. Last evaluated: 2020-12-23. Review status: criteria provided, single submitter. Criteria: ACMG Guidelines, 2015. Collection method: clinical testing. Allele origin: germline.
Comment: This missense variant replaces phenylalanine with leucine at codon 178 of the APC protein. Computational prediction suggests that this variant may have deleterious impact on protein structure and function (internally defined REVEL score threshold >= 0.7, PMID: 27666373). To our knowledge, functional studies have not been reported for this variant. This variant has not been reported in individuals affected with hereditary cancer in the literature. This variant has not been identified in the general population by the Genome Aggregation Database (gnomAD). The available evidence is insufficient to determine the role of this variant in disease conclusively. Therefore, this variant is classified as a Variant of Uncertain Significance.

NM_000038.6(APC):c.532T>C (p.Phe178Leu)

Gene: APC (APC regulator of Wnt signaling pathway; plus strand). Cytogenetic location: 5q22.2.
Variant type: single nucleotide variant.
Coding change: c.532T>C on transcript NM_000038.6 (MANE Select); coding-DNA position 532, T replaced by C.
Protein change: p.Phe178Leu; replaces phenylalanine 178 with leucine.
Molecular consequence: missense variant. On other transcripts: 5 prime UTR variant (1).
Genome position (GRCh38, 1-based): chr5:112,780,790, T>C. VCF-style: chr5-112780790-T-C. GRCh37 (hg19) VCF-style: chr5-112116487-T-C.
Other names: c.532T>C, p.Phe178Leu (NM_001127510.3, NM_001354895.2, NM_001354896.2 and 2 more transcripts); c.562T>C, p.Phe188Leu (NM_001127511.3, NM_001354897.2, NM_001354902.2); c.457T>C, p.Phe153Leu (NM_001354898.2, NM_001354904.2); c.355T>C, p.Phe119Leu (NM_001354900.2, NM_001354901.2, NM_001354905.2); c.-504T>C (NM_001354906.2); short protein forms F119L, F153L, F178L, F188L.
Identifiers: ClinVar variation 1171236 (VCV001171236.2), dbSNP rs1060503344, ClinGen allele CA16022492.
Genomic context (GRCh38, chr5:112,780,790, plus strand): 5'-GCTTTTACTGATTAACGTAAATACAAGATATTGATACTTTTTTATTATTTGTGGTTTTAG[T>C]TTTCCTTACAAACAGATATGACCAGAAGGCAATTGGAATATGAAGCAAGGCAAATCAGAG-3'
Protein context (NP_000029.2, residues 168-188): RIDSLPLTEN[Phe178Leu]SLQTDMTRRQ